The following is an entry in ClinVar:

ClinVar aggregate classification (germline): Benign (1 of 4 stars; one submission).

Allele frequency attached by ClinVar (database versions not stated): 1000 Genomes Project 0.88538; gnomAD 0.86310; TOPMed 0.85805; 1000 Genomes Project 30x 0.88632.
gnomAD v4.1: 130,179 of 151,034 alleles (86%); highest among the groups gnomAD compares: East Asian, 95%; 56,310 homozygotes.

Submission:

GeneDx
Classification: Benign. Last evaluated: 2018-06-14. Review status: criteria provided, single submitter. Criteria: GeneDx Variant Classification (06012015). Collection method: clinical testing. Allele origin: germline. Affected: yes.
Comment: This variant is considered likely benign or benign based on one or more of the following criteria: it is a conservative change, it occurs at a poorly conserved position in the protein, it is predicted to be benign by multiple in silico algorithms, and/or has population frequency not consistent with disease.

NM_003659.4(AGPS):c.996+206A>G

Gene: AGPS (alkylglycerone phosphate synthase; plus strand). Cytogenetic location: 2q31.2.
Variant type: single nucleotide variant.
Coding change: c.996+206A>G on transcript NM_003659.4 (MANE Select); 206 bases into the intron after coding-DNA position 996, A replaced by G.
Molecular consequence: intron variant.
Genome position (GRCh38, 1-based): chr2:177,462,224, A>G. VCF-style: chr2-177462224-A-G. GRCh37 (hg19) VCF-style: chr2-178326952-A-G.
Identifiers: ClinVar variation 683770 (VCV000683770.1), dbSNP rs2166557, ClinGen allele CA11091557.